The following is an entry in ClinVar:

ClinVar aggregate classification (germline): Benign. Review status: criteria provided, multiple submitters, no conflicts (2 of 4 stars). 2 submissions from 2 submitters: Benign (2). Last evaluated 2026-01-01.

Allele frequency attached by ClinVar (database versions not stated): 1000 Genomes Project 30x 0.00109; TOPMed 0.00223; gnomAD 0.00409.

Submissions (2):

CeGaT Center for Human Genetics Tuebingen
Classification: Benign. Last evaluated: 2026-01-01. Review status: criteria provided, single submitter. Criteria: CeGaT Center For Human Genetics Tuebingen Variant Classification Criteria Version 2. Collection method: clinical testing. Allele origin: germline. Affected: yes. Observed: 4 variant alleles.
Comment: SYN2: PP3, BS1, BS2

Laboratory of Genetics, Children's Clinical University Hospital Latvia
Classification: Benign. Last evaluated: 2025-02-16. Review status: criteria provided, single submitter. Criteria: ACMG Guidelines, 2015. Collection method: clinical testing. Allele origin: germline. Affected: yes.

NM_133625.6(SYN2):c.161C>T (p.Ala54Val)

Gene: SYN2 (synapsin II; plus strand). Cytogenetic location: 3p25.2.
Variant type: single nucleotide variant.
Coding change: c.161C>T on transcript NM_133625.6 (MANE Select); coding-DNA position 161, C replaced by T.
Protein change: p.Ala54Val; replaces alanine 54 with valine.
Molecular consequence: missense variant.
Genome position (GRCh38, 1-based): chr3:12,004,712, C>T. VCF-style: chr3-12004712-C-T. GRCh37 (hg19) VCF-style: chr3-12046186-C-T.
Other names: c.161C>T, p.Ala54Val (NM_003178.6); short protein forms A54V.
Identifiers: ClinVar variation 2653538 (VCV002653538.25), dbSNP rs747241247, ClinGen allele CA2257234.
Genomic context (GRCh38, chr3:12,004,712, plus strand): 5'-CGCCGCCGCCGCCGCCCCCCGGTCCGGGCGCCGCCTCGGCCTCGGCGGCGCCCCCGACCG[C>T]CTCGCCGGGCCCGGAGCGGAGGCCGCCGCCCGCCTCGGCGCCCGCGCCGCAGCCCGCGCC-3'
Protein context (NP_598328.1, residues 44-64): AASASAAPPT[Ala54Val]SPGPERRPPP